The following is an entry in ClinVar:

ClinVar aggregate classification (germline): Benign. Review status: reviewed by expert panel (3 of 4 stars). 10 submissions from 10 submitters: Benign (1). 9 of the submissions do not count toward it. Last evaluated 2024-12-03.

Conditions:
RASopathy. Also called: rasopathies; Noonan spectrum disorder. Identifiers: Orphanet 536391, MedGen C5555857, MONDO:0021060.
Cardiovascular phenotype. Identifiers: MedGen CN230736.
Noonan syndrome-like disorder with loose anagen hair 2 (NSLH2). Identifiers: MedGen C4479577, MONDO:0054588, OMIM 617506.

Allele frequency attached by ClinVar (database versions not stated): 1000 Genomes Project 0.49541; 1000 Genomes Project 30x 0.50016; gnomAD exomes 0.53212 and 0.57916; ExAC 0.54468; TOPMed 0.55263; gnomAD 0.56723 and 0.57257; ESP Exome Variant Server 0.59506.
gnomAD v4.1: 912,712 of 1,580,604 alleles (58%); highest among the groups gnomAD compares: Middle Eastern, 63%; 268,808 homozygotes.

Submissions (10):

ClinGen RASopathy Variant Curation Expert Panel
Classification: Benign for RASopathy. Last evaluated: 2024-12-03. Review status: reviewed by expert panel. Criteria: ClinGen RASopathy ACMG Specifications PPP1CB V1.3.0. Collection method: curation. Allele origin: germline. Inheritance: Autosomal dominant inheritance.
Comment: The c.201A>G (p.Gln67=) variant in PPP1CB is a synonymous (silent) variant that is not predicted by SpliceAI to impact splicing. In addition, the computational predictor REVEL does not predict a damaging effect on PPP1CB function (BP4, BP7). The filtering allele frequency in gnomAD v2 is 60.64% in the European (non-Finnish) population, which is higher than the ClinGen RASopathy VCEP threshold (>0.0005) for BA1, and therefore meets this criterion (BA1). In summary, this variant meets the criteria to be classified as benign for autosomal dominant RASopathy based on the ACMG/AMP criteria applied, as specified by the ClinGen RASopathy VCEP: BA1, BP4, BP7. (RASopathy VCEP specifications version 1.3; 12/3/2024)

Labcorp Genetics (formerly Invitae), Labcorp
Classification: Benign. Last evaluated: 2026-02-04. Review status: criteria provided, single submitter. Criteria: Invitae Variant Classification Sherloc (09022015). Collection method: clinical testing. Allele origin: germline. Not counted in ClinVar's aggregate classification.

Blueprint Genetics
Classification: Benign. Last evaluated: 2024-11-26. Review status: criteria provided, single submitter. Criteria: ACMG Guidelines, 2015. Collection method: clinical testing. Allele origin: germline. Not counted in ClinVar's aggregate classification.

Women's Health and Genetics/Laboratory Corporation of America, LabCorp
Classification: Benign. Last evaluated: 2023-04-04. Review status: criteria provided, single submitter. Criteria: LabCorp Variant Classification Summary - May 2015. Collection method: clinical testing. Allele origin: germline. Not counted in ClinVar's aggregate classification.

Mayo Clinic Laboratories, Mayo Clinic
Classification: Benign. Last evaluated: 2022-04-26. Review status: criteria provided, single submitter. Criteria: ACMG Guidelines, 2015. Collection method: clinical testing. Allele origin: germline. Observed: 117 variant alleles. Not counted in ClinVar's aggregate classification.

Genome-Nilou Lab
Classification: Benign for Noonan syndrome-like disorder with loose anagen hair 2. Last evaluated: 2021-10-25. Review status: criteria provided, single submitter. Criteria: ACMG Guidelines, 2015. Collection method: clinical testing. Allele origin: germline. Affected: no. Not counted in ClinVar's aggregate classification.

Ambry Genetics
Classification: Benign for Cardiovascular phenotype. Last evaluated: 2018-12-04. Review status: criteria provided, single submitter. Criteria: Ambry Variant Classification Scheme 2023. Collection method: clinical testing. Allele origin: germline. Not counted in ClinVar's aggregate classification.

GeneDx
Classification: Benign. Last evaluated: 2018-10-02. Review status: criteria provided, single submitter. Criteria: GeneDx Variant Classification Process June 2021. Collection method: clinical testing. Allele origin: germline. Affected: yes. Not counted in ClinVar's aggregate classification.

Laboratory for Molecular Medicine, Mass General Brigham Personalized Medicine
Classification: Benign. Last evaluated: 2018-03-12. Review status: criteria provided, single submitter. Criteria: LMM Criteria. Collection method: clinical testing. Allele origin: germline. Observed: 31 variant alleles. Not counted in ClinVar's aggregate classification.
Comment: p.Asp58Asp in exon 4 of p.Gln67Gln: This variant is not expected to have clinica l significance because it has been identified in 60.975% (77029/126328) of Europ ean chromosomes by the Genome Aggregation Database (gnomAD; dbSNP rs1128416). ACMG/AMP Criteria applied: BA1.

Breakthrough Genomics
Classification: Benign. Review status: criteria provided, single submitter. Criteria: ACMG Guidelines, 2015. Collection method: not provided. Allele origin: germline. Inheritance: Autosomal dominant inheritance. Affected: yes. Not counted in ClinVar's aggregate classification.

NM_002709.3(PPP1CB):c.201A>G (p.Gln67=)

Gene: PPP1CB (protein phosphatase 1 catalytic subunit beta; plus strand). Cytogenetic location: 2p23.2.
Variant type: single nucleotide variant.
Coding change: c.201A>G on transcript NM_002709.3 (MANE Select); coding-DNA position 201, A replaced by G.
Protein change: p.Gln67=; no amino-acid change (glutamine 67 retained).
Molecular consequence: synonymous variant.
Genome position (GRCh38, 1-based): chr2:28,778,825, A>G. VCF-style: chr2-28778825-A-G. GRCh37 (hg19) VCF-style: chr2-29001691-A-G.
Other names: NM_002709.3(PPP1CB):c.201A>G; p.Gln67=; c.201A>G, p.Gln67= (NM_206876.2); c.201A>G (NM_002709.2).
Identifiers: ClinVar variation 667025 (VCV000667025.21), dbSNP rs1128416, ClinGen allele CA1589199.
Genomic context (GRCh38, chr2:28,778,825, plus strand): 5'-TAACAGTAACCAATTTTTCTAAAACTGACTCTTTCTCTTTTTAGGAGATATTCATGGACA[A>G]TATACAGATTTACTGAGATTATTTGAATATGGAGGTTTCCCACCAGAAGCCAACTATCTT-3'
Protein context (NP_002700.1, residues 57-77): PLKICGDIHG[Gln67=]YTDLLRLFEY